The following is an entry in ClinVar:

NM_022166.4(XYLT1):c.2733C>T (p.Gly911=)

Gene: XYLT1 (xylosyltransferase 1; minus strand). Cytogenetic location: 16p12.3.
Variant type: single nucleotide variant.
Coding change: c.2733C>T on transcript NM_022166.4 (MANE Select); coding-DNA position 2733, C replaced by T.
Protein change: p.Gly911=; no amino-acid change (glycine 911 retained).
Molecular consequence: synonymous variant.
Genome position (GRCh38, 1-based): chr16:17,108,842, G>A on the plus strand (C>T on the coding strand, the complement: XYLT1 is on the minus strand). VCF-style: chr16-17108842-G-A. GRCh37 (hg19) VCF-style: chr16-17202699-G-A.
Identifiers: ClinVar variation 4821476 (VCV004821476.4).

ClinVar aggregate classification (germline): Likely benign (1 of 4 stars; one submission).

gnomAD v4.1: 32 of 1,612,662 alleles (0.002%); highest among the groups gnomAD compares: Admixed American, 0.0083%; no homozygotes.

Submission:

CeGaT Center for Human Genetics Tuebingen
Classification: Likely benign. Last evaluated: 2026-01-01. Review status: criteria provided, single submitter. Criteria: CeGaT Center For Human Genetics Tuebingen Variant Classification Criteria Version 2. Collection method: clinical testing. Allele origin: germline. Affected: yes. Observed: 1 variant allele.
Comment: XYLT1: BP4, BP7